The following is an entry in ClinVar:

ClinVar aggregate classification (germline): Likely benign (1 of 4 stars; one submission).

Allele frequency attached by ClinVar (database versions not stated): ESP Exome Variant Server 0.00008; 1000 Genomes Project 30x 0.00016; 1000 Genomes Project 0.00020; ExAC 0.00032; gnomAD 0.00045.

Submission:

CeGaT Center for Human Genetics Tuebingen
Classification: Likely benign. Last evaluated: 2022-06-01. Review status: criteria provided, single submitter. Criteria: CeGaT Center For Human Genetics Tuebingen Variant Classification Criteria Version 2. Collection method: clinical testing. Allele origin: germline. Affected: yes. Observed: 1 variant allele.
Comment: TEX14: BP4

NM_031272.5(TEX14):c.430A>T (p.Met144Leu)

Gene: TEX14 (testis expressed 14, intercellular bridge forming factor; minus strand). Cytogenetic location: 17q22.
Variant type: single nucleotide variant.
Coding change: c.430A>T on transcript NM_031272.5 (MANE Select); coding-DNA position 430, A replaced by T.
Protein change: p.Met144Leu; replaces methionine 144 with leucine.
Molecular consequence: missense variant.
Genome position (GRCh38, 1-based): chr17:58,621,774, T>A on the plus strand (A>T on the coding strand, the complement: TEX14 is on the minus strand). VCF-style: chr17-58621774-T-A. GRCh37 (hg19) VCF-style: chr17-56699135-T-A.
Other names: c.430A>T, p.Met144Leu (NM_001201457.2, NM_198393.4); short protein forms M144L.
Identifiers: ClinVar variation 2647968 (VCV002647968.24), dbSNP rs138580651, ClinGen allele CA8676744.
Genomic context (GRCh38, chr17:58,621,774, plus strand): 5'-TCAGGAGGTCGTAAGAGAAGCCCTGGATGATGGCCTGCATGTGTGAGGCACAGCGCTGCA[T>A]GAACTCCACTATCTGCAAAACATCGCAGAGATGCCCAGTGCGGGCGCACCAGTTCTCAAT-3'
Protein context (NP_112562.3, residues 134-154): KERSTQIVEF[Met144Leu]QRCASHMQAI